The following is an entry in ClinVar:

NM_001371928.1(AHDC1):c.4022G>C (p.Cys1341Ser)

Gene: AHDC1 (AT-hook DNA binding motif containing 1; minus strand). Cytogenetic location: 1p36.11.
Variant type: single nucleotide variant.
Coding change: c.4022G>C on transcript NM_001371928.1 (MANE Select); coding-DNA position 4022, G replaced by C.
Protein change: p.Cys1341Ser; replaces cysteine 1341 with serine.
Molecular consequence: missense variant.
Genome position (GRCh38, 1-based): chr1:27,548,094, C>G on the plus strand (G>C on the coding strand, the complement: AHDC1 is on the minus strand). VCF-style: chr1-27548094-C-G. GRCh37 (hg19) VCF-style: chr1-27874605-C-G.
Other names: c.4022G>C, p.Cys1341Ser (NM_001029882.3); short protein forms C1341S.
Identifiers: ClinVar variation 3611815 (VCV003611815.2).
Genomic context (GRCh38, chr1:27,548,094, plus strand): 5'-TGGCCAAAGGTGCCATCGGAAGGCGTGGACGGGTTCATGGAGTAGGGTCCTATGAAGTCA[C>G]AGGGGTCTCGCTCTCCCACGCCGAAGGCCCTCGACTGTGAGGGCAGTGGTGACATGCTGC-3'
Protein context (NP_001358857.1, residues 1331-1351): RAFGVGERDP[Cys1341Ser]DFIGPYSMNP

ClinVar aggregate classification (germline): Uncertain significance (1 of 4 stars; one submission).

Submission:

Labcorp Genetics (formerly Invitae), Labcorp
Classification: Uncertain significance. Last evaluated: 2024-10-29. Review status: criteria provided, single submitter. Criteria: Invitae Variant Classification Sherloc (09022015). Collection method: clinical testing. Allele origin: germline.
Comment: This sequence change replaces cysteine, which is neutral and slightly polar, with serine, which is neutral and polar, at codon 1341 of the AHDC1 protein (p.Cys1341Ser). This variant is not present in population databases (gnomAD no frequency). This variant has not been reported in the literature in individuals affected with AHDC1-related conditions. An algorithm developed to predict the effect of missense changes on protein structure and function (PolyPhen-2) suggests that this variant is likely to be tolerated. In summary, the available evidence is currently insufficient to determine the role of this variant in disease. Therefore, it has been classified as a Variant of Uncertain Significance.